The following is an entry in ClinVar:

NM_001999.4(FBN2):c.7797C>A (p.Cys2599Ter)

Gene: FBN2 (fibrillin 2; minus strand). Cytogenetic location: 5q23.3.
Variant type: single nucleotide variant.
Coding change: c.7797C>A on transcript NM_001999.4 (MANE Select); coding-DNA position 7797, C replaced by A.
Protein change: p.Cys2599Ter; replaces cysteine 2599 with a stop codon.
Molecular consequence: nonsense.
Genome position (GRCh38, 1-based): chr5:128,273,883, G>T on the plus strand (C>A on the coding strand, the complement: FBN2 is on the minus strand). VCF-style: chr5-128273883-G-T. GRCh37 (hg19) VCF-style: chr5-127609575-G-T.
Other names: short protein forms C2599*.
Identifiers: ClinVar variation 3849194 (VCV003849194.1).
Genomic context (GRCh38, chr5:128,273,883, plus strand): 5'-TGAGCAAATCAACTAACCTTCACAGTTCAGTCCGGTGGCATCAAGAGAGAACCCTCTTTG[G>T]CATTCACAGCTGAAACTGCCTGGAGTGTTTTGACAGATTCCCTTTGCTCCACAAAGCGAA-3'

ClinVar aggregate classification (germline): Uncertain significance (1 of 4 stars; one submission).

Conditions:
Familial thoracic aortic aneurysm and aortic dissection (TAAD). Also called: Thoracic aortic aneurysms and dissections. Identifiers: Orphanet 91387, MedGen C4707243, MONDO:0019625.

Submission:

Ambry Genetics
Classification: Uncertain significance for Familial thoracic aortic aneurysm and aortic dissection. Last evaluated: 2024-12-11. Review status: criteria provided, single submitter. Criteria: Ambry Variant Classification Scheme 2023. Collection method: clinical testing. Allele origin: germline.
Comment: The p.C2599* variant (also known as c.7797C>A), located in coding exon 61 of the FBN2 gene, results from a C to A substitution at nucleotide position 7797. This changes the amino acid from a cysteine to a stop codon within coding exon 61. This alteration is expected to result in protein truncation or nonsense-mediated mRNA decay. However, loss of function of FBN2 has not been established as a mechanism of disease. Based on the available evidence, the clinical significance of this alteration remains unclear.